The following is an entry in ClinVar:

ClinVar aggregate classification (germline): Likely pathogenic (1 of 4 stars; one submission).

Conditions:
Long QT syndrome 2 (LQT2). Identifiers: Orphanet 101016, Orphanet 768, MedGen C3150943, MONDO:0013367, OMIM 613688.

Submission:

Clinical Genetics Laboratory, Skane University Hospital Lund
Classification: Likely pathogenic for Long QT syndrome 2. Last evaluated: 2026-06-05. Review status: criteria provided, single submitter. Criteria: ACMG Guidelines, 2015. Collection method: clinical testing. Allele origin: germline. Affected: yes.
Comment: ACMG criteria: PS3_moderate, PM1, PM2, PM5, PP1, PP3 and PP4_moderate.

NM_000238.4(KCNH2):c.127T>A (p.Tyr43Asn)

Gene: KCNH2 (potassium voltage-gated channel subfamily H member 2; minus strand). Cytogenetic location: 7q36.1.
Variant type: single nucleotide variant.
Coding change: c.127T>A on transcript NM_000238.4 (MANE Select); coding-DNA position 127, T replaced by A.
Protein change: p.Tyr43Asn; replaces tyrosine 43 with asparagine.
Molecular consequence: missense variant. On other transcripts: 5 prime UTR variant (1), non-coding transcript variant (1).
Genome position (GRCh38, 1-based): chr7:150,974,891, A>T on the plus strand (T>A on the coding strand, the complement: KCNH2 is on the minus strand). VCF-style: chr7-150974891-A-T. GRCh37 (hg19) VCF-style: chr7-150671979-A-T.
Other names: c.-51T>A (NM_001406755.1); c.127T>A, p.Tyr43Asn (NM_172056.3); short protein forms Y43N.
Identifiers: ClinVar variation 4852597 (VCV004852597.1).